The following is an entry in ClinVar:

NM_000018.4(ACADVL):c.562G>A (p.Gly188Ser)

Gene: ACADVL (acyl-CoA dehydrogenase very long chain; plus strand). Cytogenetic location: 17p13.1.
Variant type: single nucleotide variant.
Coding change: c.562G>A on transcript NM_000018.4 (MANE Select); coding-DNA position 562, G replaced by A.
Protein change: p.Gly188Ser; replaces glycine 188 with serine.
Molecular consequence: missense variant.
Genome position (GRCh38, 1-based): chr17:7,221,622, G>A. VCF-style: chr17-7221622-G-A. GRCh37 (hg19) VCF-style: chr17-7124941-G-A.
Other names: NM_000018.4(ACADVL):c.562G>A; p.Gly188Ser; c.496G>A, p.Gly166Ser (NM_001033859.3); c.631G>A, p.Gly211Ser (NM_001270447.2); c.334G>A, p.Gly112Ser (NM_001270448.2); short protein forms G166S, G112S, G211S, G188S.
Identifiers: ClinVar variation 838654 (VCV000838654.11), dbSNP rs2071231356, ClinGen allele CA397723170.

ClinVar aggregate classification (germline): Uncertain significance. Review status: reviewed by expert panel (3 of 4 stars). 2 submissions from 2 submitters: Uncertain significance (1). 1 of the submissions does not count toward it. Last evaluated 2023-04-11.

Conditions:
Very long chain acyl-CoA dehydrogenase deficiency (ACADVLD). Also called: VLCAD Deficiency; Very Long-Chain Acyl-Coenzyme A Dehydrogenase Deficiency. Identifiers: Orphanet 26793, MedGen C3887523, MONDO:0008723, OMIM 201475.

Submissions (2):

ClinGen ACADVL Variant Curation Expert Panel, ClinGen
Classification: Uncertain significance for Very long chain acyl-CoA dehydrogenase deficiency. Last evaluated: 2023-04-11. Review status: reviewed by expert panel. Criteria: clingen acadvl acmg specifications v1. Collection method: curation. Allele origin: germline. Inheritance: Autosomal recessive inheritance.
Comment: The c.562G>A variant in ACADVL is a missense variant predicted to cause substitution of glycine by serine at amino acid 188 (p.Gly188Ser). Information provided to the ACADVL VCEP provided by an external clinical laboratory shows increased C14:1 level in a pattern consistent with very long chain acyl-CoA dehydrogenase (VLCAD) deficiency in one patient (PP4_moderate) who was homozygous for the variant (PM3_supporting). One publication describes this variant in an affected individual, but this individual does not meet our PP4 guidelines and was not counted (Nikolayeva, E.A. et al., Symptomatic epilepsy as a manifestation of very long chain acyl-CoA dehydrogenase deficiency. 2008. Rossiiskii Vestnik Perinatologii i Pediatrii 53(3): 87-91 (in Russian)). This variant is absent from gnomAD v2.1.1. The computational predictor REVEL gives a score of 0.882, which is above the threshold of 0.75, evidence that correlates with impact to ACADVL function. In summary, this variant meets the criteria to be classified as a variant of uncertain significance for autosomal recessive (VLCAD) deficiency based on the ACMG/AMP criteria applied, as specified by the ClinGen ACADVL Variant Curation Expert Panel: PM2_supporting, PM3_supporting, PP3, PP4_moderate (ACADVL VCEP specifications version 1; approved November 9, 2021). This variant was originally curated April 12, 2022 and the recurated classification was approved by the expert panel on April 11, 2023.

Labcorp Genetics (formerly Invitae), Labcorp
Classification: Pathogenic for Very long chain acyl-CoA dehydrogenase deficiency. Last evaluated: 2024-01-02. Review status: criteria provided, single submitter. Criteria: Invitae Variant Classification Sherloc (09022015). Collection method: clinical testing. Allele origin: germline. Not counted in ClinVar's aggregate classification.
Comment: This sequence change replaces glycine, which is neutral and non-polar, with serine, which is neutral and polar, at codon 188 of the ACADVL protein (p.Gly188Ser). This variant is not present in population databases (gnomAD no frequency). This missense change has been observed in individual(s) with VLCAD deficiency (PMID: 28468868; Invitae). This variant is also known as c.631G>A (p.Gly211Ser). ClinVar contains an entry for this variant (Variation ID: 838654). Advanced modeling of protein sequence and biophysical properties (such as structural, functional, and spatial information, amino acid conservation, physicochemical variation, residue mobility, and thermodynamic stability) performed at Invitae indicates that this missense variant is expected to disrupt ACADVL protein function with a positive predictive value of 95%. For these reasons, this variant has been classified as Pathogenic.

Literature cited by the submitters: PubMed 28468868 (cited by Labcorp Genetics (formerly Invitae), Labcorp).